The following is an entry in ClinVar:

NM_004977.3(KCNC3):c.116A>C (p.Gln39Pro)

Genes: KCNC3 (potassium voltage-gated channel subfamily C member 3; minus strand), LOC111811967 (Sharpr-MPRA regulatory region 11330/13384; plus strand). Cytogenetic location: 19q13.33.
Variant type: single nucleotide variant.
Coding change: c.116A>C on transcript NM_004977.3 (MANE Select); coding-DNA position 116, A replaced by C.
Protein change: p.Gln39Pro; replaces glutamine 39 with proline.
Molecular consequence: missense variant. On other transcripts: 5 prime UTR variant (1).
Genome position (GRCh38, 1-based): chr19:50,328,967, T>G on the plus strand (A>C on the coding strand, the complement: KCNC3 is on the minus strand). VCF-style: chr19-50328967-T-G. GRCh37 (hg19) VCF-style: chr19-50832224-T-G.
Other names: p.Gln39Pro; c.116A>C (NM_004977.2); c.-113A>C (NM_001372305.1); short protein forms Q39P.
Identifiers: ClinVar variation 2903203 (VCV002903203.5), dbSNP rs1403069648, ClinGen allele CA406956674.

ClinVar aggregate classification (germline): Uncertain significance. Review status: criteria provided, multiple submitters, no conflicts (2 of 4 stars). 3 submissions from 3 submitters: Uncertain significance (3). Last evaluated 2024-10-14.

Conditions:
Inborn genetic diseases. Identifiers: MedGen C0950123, MeSH D030342.

Allele frequency attached by ClinVar (database versions not stated): gnomAD exomes below 0.00001; gnomAD 0.00006.
gnomAD v4.1: 14 of 970,898 alleles (0.0014%); highest among the groups gnomAD compares: Admixed American, 0.016%; 1 homozygote.

Submissions (3):

Mayo Clinic Laboratories, Mayo Clinic
Classification: Uncertain significance. Last evaluated: 2024-10-14. Review status: criteria provided, single submitter. Criteria: ACMG Guidelines, 2015. Collection method: clinical testing. Allele origin: germline. Observed: 1 variant allele.

Ambry Genetics
Classification: Uncertain significance for Inborn genetic diseases. Last evaluated: 2024-08-04. Review status: criteria provided, single submitter. Criteria: Ambry Variant Classification Scheme 2023. Collection method: clinical testing. Allele origin: germline.

Labcorp Genetics (formerly Invitae), Labcorp
Classification: Uncertain significance. Last evaluated: 2023-12-09. Review status: criteria provided, single submitter. Criteria: Invitae Variant Classification Sherloc (09022015). Collection method: clinical testing. Allele origin: germline.
Comment: This sequence change replaces glutamine, which is neutral and polar, with proline, which is neutral and non-polar, at codon 39 of the KCNC3 protein (p.Gln39Pro). This variant is present in population databases (no rsID available, gnomAD 0.01%). This variant has not been reported in the literature in individuals affected with KCNC3-related conditions. Advanced modeling of protein sequence and biophysical properties (such as structural, functional, and spatial information, amino acid conservation, physicochemical variation, residue mobility, and thermodynamic stability) performed at Invitae indicates that this missense variant is not expected to disrupt KCNC3 protein function with a negative predictive value of 95%. In summary, the available evidence is currently insufficient to determine the role of this variant in disease. Therefore, it has been classified as a Variant of Uncertain Significance.